The following is an entry in ClinVar:

NM_007294.4(BRCA1):c.88T>A (p.Leu30Met)

Gene: BRCA1 (BRCA1 DNA repair associated; minus strand). Cytogenetic location: 17q21.31.
Variant type: single nucleotide variant.
Coding change: c.88T>A on transcript NM_007294.4 (MANE Select); coding-DNA position 88, T replaced by A.
Protein change: p.Leu30Met; replaces leucine 30 with methionine.
Molecular consequence: missense variant. On other transcripts: non-coding transcript variant (1), intron variant (1).
Genome position (GRCh38, 1-based): chr17:43,115,772, A>T on the plus strand (T>A on the coding strand, the complement: BRCA1 is on the minus strand). VCF-style: chr17-43115772-A-T. GRCh37 (hg19) VCF-style: chr17-41267789-A-T.
Other names: c.88T>A, p.Leu30Met (NM_001407582.1, NM_001407583.1, NM_001407585.1 and 192 more transcripts); c.-170T>A (NM_001407694.1, NM_001407696.1, NM_001407724.1 and 13 more transcripts); c.-174T>A (NM_001407695.1, NM_001408465.1); c.-54T>A (NM_001407697.1, NM_001407725.1, NM_001407728.1 and 47 more transcripts); c.-50T>A (NM_001407841.1); c.-101T>A (NM_001407853.1, NM_001407879.1, NM_001407882.1 and 52 more transcripts); c.-217T>A (NM_001407889.1, NM_001407900.1, NM_001408492.1); c.-216T>A (NM_001407960.1, NM_001407962.1, NM_001408510.1 and 1 more transcripts); and 2 more; short protein forms L30M.
Identifiers: ClinVar variation 865099 (VCV000865099.3), dbSNP rs2055260993, ClinGen allele CA10601979.
Genomic context (GRCh38, chr17:43,115,772, plus strand): 5'-ACATTCAAACTTACTTGCAAAATATGTGGTCACACTTTGTGGAGACAGGTTCCTTGATCA[A>T]CTCCAGACTAGCAGGGTAGGGGGGGAGAAAAAGAAAATAAATGAGGCTCAATAATTTATT-3'
Protein context (NP_009225.1, residues 20-40): KILECPICLE[Leu30Met]IKEPVSTKCD

Conditions:
Breast-ovarian cancer, familial, susceptibility to, 1 (BROVCA1). Also called: BRCA1 Hereditary Breast and Ovarian Cancer; OVARIAN CANCER, SUSCEPTIBILITY TO. Identifiers: Orphanet 145, MedGen C2676676, MONDO:0011450, OMIM 604370. Disease mechanism: loss of function.

Submission:

Brotman Baty Institute, University of Washington
No classification provided (evidence only). Condition: Breast-ovarian cancer, familial 1. Review status: no classification provided. Collection method: in vitro. Allele origin: not applicable. Functional consequence: functionally_normal.
ClinVar note: "not provided" was previously submitted as the classification for the variant. However, the classification appeared to be based only on an observation of functional data so it was converted to no classification on 2025-07-30.